The following is an entry in ClinVar:

ClinVar aggregate classification (germline): Uncertain significance (1 of 4 stars; one submission).

Conditions:
Atrial fibrillation, familial, 11 (ATFB11). Identifiers: MedGen C3279693, MONDO:0013544, OMIM 614049.
Atrial standstill 1 (ATRST1). Also called: ATRIAL CARDIOMYOPATHY WITH HEART BLOCK; CARDIOMYOPATHY, FAMILIAL, WITH CONDUCTION DISTURBANCE; Atrial standstill, digenic (GJA5/SCN5A). Identifiers: Orphanet 1344, MedGen C4551959, MONDO:0007171, OMIM 108770.

gnomAD v4.1: 1 of 1,614,140 alleles (0.000062%); highest among the groups gnomAD compares: East Asian, 0.0022%; no homozygotes.

Submission:

Labcorp Genetics (formerly Invitae), Labcorp
Classification: Uncertain significance for Atrial fibrillation, familial, 11; Atrial standstill 1. Last evaluated: 2025-09-08. Review status: criteria provided, single submitter. Criteria: Invitae Variant Classification Sherloc (09022015). Collection method: clinical testing. Allele origin: germline.
Comment: This sequence change replaces glycine, which is neutral and non-polar, with glutamic acid, which is acidic and polar, at codon 309 of the GJA5 protein (p.Gly309Glu). This variant is present in population databases (no rsID available, gnomAD 0.006%). This variant has not been reported in the literature in individuals affected with GJA5-related conditions. An algorithm developed to predict the effect of missense changes on protein structure and function (PolyPhen-2) suggests that this variant is likely to be tolerated. In summary, the available evidence is currently insufficient to determine the role of this variant in disease. Therefore, it has been classified as a Variant of Uncertain Significance.

NM_181703.4(GJA5):c.926G>A (p.Gly309Glu)

Gene: GJA5 (gap junction protein alpha 5; minus strand). Cytogenetic location: 1q21.2.
Variant type: single nucleotide variant.
Coding change: c.926G>A on transcript NM_181703.4 (MANE Select); coding-DNA position 926, G replaced by A.
Protein change: p.Gly309Glu; replaces glycine 309 with glutamic acid.
Molecular consequence: missense variant.
Genome position (GRCh38, 1-based): chr1:147,758,313, C>T on the plus strand (G>A on the coding strand, the complement: GJA5 is on the minus strand). VCF-style: chr1-147758313-C-T. GRCh37 (hg19) VCF-style: chr1-147230421-C-T.
Other names: c.926G>A, p.Gly309Glu (NM_005266.7); short protein forms G309E.
Identifiers: ClinVar variation 4786086 (VCV004786086.1).